The following is an entry in ClinVar:

ClinVar aggregate classification (germline): Uncertain significance. Review status: criteria provided, multiple submitters, no conflicts (2 of 4 stars). 3 submissions from 3 submitters: Uncertain significance (3). Last evaluated 2025-11-09.

Conditions:
Hereditary cancer-predisposing syndrome. Also called: Tumor predisposition; Neoplastic Syndromes, Hereditary; Hereditary neoplastic syndrome; Hereditary Cancer Syndrome. Identifiers: Orphanet 140162, MedGen C0027672, MeSH D009386, MONDO:0015356.
Familial cancer of breast. Also called: hereditary breast carcinoma; BREAST CANCER, FAMILIAL; Hereditary breast cancer. Identifiers: Orphanet 227535, MedGen C0346153, MONDO:0016419, OMIM 114480. Disease mechanism: loss of function.

Submissions (3):

Labcorp Genetics (formerly Invitae), Labcorp
Classification: Uncertain significance for Familial cancer of breast. Last evaluated: 2025-11-09. Review status: criteria provided, single submitter. Criteria: Invitae Variant Classification Sherloc (09022015). Collection method: clinical testing. Allele origin: germline.
Comment: This variant, c.2143_2145del, results in the deletion of 1 amino acid(s) of the PALB2 protein (p.Asp715del), but otherwise preserves the integrity of the reading frame. This variant is not present in population databases (gnomAD no frequency). This variant has not been reported in the literature in individuals affected with PALB2-related conditions. ClinVar contains an entry for this variant (Variation ID: 630894). Experimental studies and prediction algorithms are not available or were not evaluated, and the functional significance of this variant is currently unknown. In summary, the available evidence is currently insufficient to determine the role of this variant in disease. Therefore, it has been classified as a Variant of Uncertain Significance.

Ambry Genetics
Classification: Uncertain significance for Hereditary cancer-predisposing syndrome. Last evaluated: 2023-04-25. Review status: criteria provided, single submitter. Criteria: Ambry Variant Classification Scheme 2023. Collection method: clinical testing. Allele origin: germline.
Comment: The c.2143_2145delGAT variant (also known as p.D715del) is located in coding exon 5 of the PALB2 gene. This variant results from an in-frame GAT deletion at nucleotide positions 2143 to 2145. This results in the in-frame deletion of an aspartic acid at codon 715. This amino acid position is not well conserved in available vertebrate species. In addition, this alteration is predicted to be deleterious by in silico analysis (Choi Y et al. PLoS ONE. 2012; 7(10):e46688). Since supporting evidence is limited at this time, the clinical significance of this alteration remains unclear.

Color Diagnostics, LLC DBA Color Health
Classification: Uncertain significance for Hereditary cancer-predisposing syndrome. Last evaluated: 2019-05-21. Review status: criteria provided, single submitter. Criteria: ACMG Guidelines, 2015. Collection method: clinical testing. Allele origin: germline.

NM_024675.4(PALB2):c.2140GAT[1] (p.Asp715del)

Gene: PALB2 (partner and localizer of BRCA2; minus strand). Cytogenetic location: 16p12.2.
Variant type: Microsatellite.
Coding change: c.2140GAT[1] on transcript NM_024675.4 (MANE Select); one copy of the 3-base unit GAT starting at c.2140; the reference has two copies in a row; one copy, 3 bases deleted.
Protein change: p.Asp715del; deletes aspartic acid 715.
Molecular consequence: inframe deletion.
Genome position (GRCh38, 1-based): chr16:23,630,009-23,630,011, ATC deleted on the plus strand (GAT on the coding strand, the reverse complement: PALB2 is on the minus strand); deleting any 3 consecutive bases within chr16:23,630,009-23,630,015 gives the same sequence; the position shown is the placement nearest the transcript's 3' end. VCF-style (leftmost placement, unchanged base first): chr16-23630008-TATC-T. GRCh37 (hg19) VCF-style: chr16-23641329-TATC-T.
Other names: c.2143_2145delGAT (NM_024675.3); short protein forms D715del.
Identifiers: ClinVar variation 630894 (VCV000630894.13), dbSNP rs1597089965, ClinGen allele CA913188756.